The following is an entry in ClinVar:

ClinVar aggregate classification (germline): Conflicting classifications of pathogenicity. Review status: criteria provided, conflicting classifications (1 of 4 stars). 5 submissions from 5 submitters: Uncertain significance (4); Likely benign (1). Last evaluated 2026-08-27.

Conditions:
Inborn genetic diseases. Identifiers: MedGen C0950123, MeSH D030342.
Succinate-semialdehyde dehydrogenase deficiency (SSADHD). Also called: 4-HYDROXYBUTYRIC ACIDURIA; SSADH DEFICIENCY; Succinic Semialdehyde Dehydrogenase Deficiency; GABA METABOLIC DEFECT. Identifiers: Orphanet 22, MedGen C0268631, MONDO:0010083, OMIM 271980.

Allele frequency attached by ClinVar (database versions not stated): 1000 Genomes Project 30x 0.00031; 1000 Genomes Project 0.00040; gnomAD exomes 0.00017 and 0.00013; ExAC 0.00022; gnomAD 0.00029 and 0.00032; TOPMed 0.00033; ESP Exome Variant Server 0.00023.
gnomAD v4.1: 228 of 1,614,152 alleles (0.014%); highest among the groups gnomAD compares: African/African-American, 0.053%; no homozygotes.

Submissions (5):

Ambry Genetics
Classification: Uncertain significance for Inborn genetic diseases. Last evaluated: 2026-08-27. Review status: criteria provided, single submitter. Criteria: Ambry Variant Classification Scheme 2023. Collection method: clinical testing. Allele origin: germline.
Comment: The c.1474G>A (p.V492I) alteration is located in exon 10 (coding exon 10) of the ALDH5A1 gene. This alteration results from a G to A substitution at nucleotide position 1474, causing the valine (V) at amino acid position 492 to be replaced by an isoleucine (I). Based on data from gnomAD, the A allele has an overall frequency of 0.016% (44/282888) total alleles studied. The highest observed frequency was 0.08% (20/24968) of African alleles. Based on insufficient or conflicting evidence, the clinical significance of this alteration remains unclear.

Labcorp Genetics (formerly Invitae), Labcorp
Classification: Likely benign for Succinate-semialdehyde dehydrogenase deficiency. Last evaluated: 2026-02-03. Review status: criteria provided, single submitter. Criteria: Invitae Variant Classification Sherloc (09022015). Collection method: clinical testing. Allele origin: germline.

GeneDx
Classification: Uncertain significance. Last evaluated: 2025-06-02. Review status: criteria provided, single submitter. Criteria: GeneDx Variant Classification Process June 2021. Collection method: clinical testing. Allele origin: germline. Affected: yes.
Comment: In silico analysis suggests that this missense variant does not alter protein structure/function; Has not been previously published as pathogenic or benign to our knowledge

Women's Health and Genetics/Laboratory Corporation of America, LabCorp
Classification: Uncertain significance. Last evaluated: 2022-08-18. Review status: criteria provided, single submitter. Criteria: LabCorp Variant Classification Summary - May 2015. Collection method: clinical testing. Allele origin: germline.
Comment: Variant summary: ALDH5A1 c.1474G>A (p.Val492Ile) results in a conservative amino acid change located in the aldehyde dehydrogenase domain (IPR015590) of the encoded protein sequence. Four of five in-silico tools predict a benign effect of the variant on protein function. The variant allele was found at a frequency of 0.00017 in 251490 control chromosomes, predominantly at a frequency of 0.0011 within the African or African-American subpopulation in the gnomAD database. To our knowledge, no occurrence of c.1474G>A in individuals affected with Succinic Semialdehyde Dehydrogenase Deficiency and no experimental evidence demonstrating its impact on protein function have been reported. Three submitters have provided clinical-significance assessments for this variant to ClinVar after 2014. Two classified the variant as VUS and the other classified it as likely benign. Based on the evidence outlined above, the variant was classified as uncertain significance.

Center for Pediatric Genomic Medicine, Children's Mercy Hospital and Clinics
Classification: Uncertain significance. Last evaluated: 2016-04-25. Review status: criteria provided, single submitter. Criteria: ACMG Guidelines, 2015. Collection method: clinical testing. Allele origin: germline.
ClinVar note: Converted during submission from Uncertain Significance to Uncertain significance.

NM_001080.3(ALDH5A1):c.1474G>A (p.Val492Ile)

Gene: ALDH5A1 (aldehyde dehydrogenase 5 family member A1; plus strand). Cytogenetic location: 6p22.3.
Variant type: single nucleotide variant.
Coding change: c.1474G>A on transcript NM_001080.3 (MANE Select); coding-DNA position 1474, G replaced by A.
Protein change: p.Val492Ile; replaces valine 492 with isoleucine.
Molecular consequence: missense variant.
Genome position (GRCh38, 1-based): chr6:24,533,578, G>A. VCF-style: chr6-24533578-G-A. GRCh37 (hg19) VCF-style: chr6-24533806-G-A.
Other names: c.1330G>A, p.Val444Ile (NM_001368954.1); c.1513G>A, p.Val505Ile (NM_170740.1); short protein forms V505I, V492I, V444I.
Identifiers: ClinVar variation 376788 (VCV000376788.21), dbSNP rs151294087, ClinGen allele CA3656957.
Genomic context (GRCh38, chr6:24,533,578, plus strand): 5'-TCTCAAGACCCAGCCCAGATCTGGAGAGTGGCAGAGCAGCTGGAAGTGGGCATGGTTGGC[G>A]TCAACGAAGGATTAATTTCCTCTGTGGAGTGCCCTTTTGGTGGAGTGAAGCAGTCCGGCC-3'
Protein context (NP_001071.1, residues 482-502): AEQLEVGMVG[Val492Ile]NEGLISSVEC